The following is an entry in ClinVar:

NM_004859.4(CLTC):c.3774C>A (p.Phe1258Leu)

Gene: CLTC (clathrin heavy chain; plus strand). Cytogenetic location: 17q23.1.
Variant type: single nucleotide variant.
Coding change: c.3774C>A on transcript NM_004859.4 (MANE Select); coding-DNA position 3774, C replaced by A.
Protein change: p.Phe1258Leu; replaces phenylalanine 1258 with leucine.
Molecular consequence: missense variant.
Genome position (GRCh38, 1-based): chr17:59,682,915, C>A. VCF-style: chr17-59682915-C-A. GRCh37 (hg19) VCF-style: chr17-57760276-C-A.
Other names: c.3786C>A, p.Phe1262Leu (NM_001288653.2); short protein forms F1258L, F1262L.
Identifiers: ClinVar variation 4745492 (VCV004745492.1).

ClinVar aggregate classification (germline): Uncertain significance (1 of 4 stars; one submission).

Submission:

Labcorp Genetics (formerly Invitae), Labcorp
Classification: Uncertain significance. Last evaluated: 2025-06-17. Review status: criteria provided, single submitter. Criteria: Invitae Variant Classification Sherloc (09022015). Collection method: clinical testing. Allele origin: germline.
Comment: This sequence change replaces phenylalanine, which is neutral and non-polar, with leucine, which is neutral and non-polar, at codon 1262 of the CLTC protein (p.Phe1262Leu). This variant is not present in population databases (gnomAD no frequency). This variant has not been reported in the literature in individuals affected with CLTC-related conditions. Invitae Evidence Modeling of protein sequence and biophysical properties (such as structural, functional, and spatial information, amino acid conservation, physicochemical variation, residue mobility, and thermodynamic stability) indicates that this missense variant is not expected to disrupt CLTC protein function with a negative predictive value of 80%. In summary, the available evidence is currently insufficient to determine the role of this variant in disease. Therefore, it has been classified as a Variant of Uncertain Significance.